The following is an entry in ClinVar:

ClinVar aggregate classification (germline): Uncertain significance. Review status: criteria provided, multiple submitters, no conflicts (2 of 4 stars). 3 submissions from 3 submitters: Uncertain significance (3). Last evaluated 2024-09-19.

Conditions:
BAP1-related tumor predisposition syndrome (TPDS1). Also called: Tumor susceptibility linked to germline BAP1 mutations; BAP1 tumor predisposition syndrome; COMMON Syndrome; TUMOR PREDISPOSITION SYNDROME 1. Identifiers: Orphanet 289539, MedGen C3280492, MONDO:0013692, OMIM 614327.
Hereditary cancer-predisposing syndrome. Also called: Neoplastic Syndromes, Hereditary; Tumor predisposition; Hereditary Cancer Syndrome; Hereditary neoplastic syndrome. Identifiers: Orphanet 140162, MedGen C0027672, MeSH D009386, MONDO:0015356.

Submissions (3):

Labcorp Genetics (formerly Invitae), Labcorp
Classification: Uncertain significance for BAP1-related tumor predisposition syndrome. Last evaluated: 2024-09-19. Review status: criteria provided, single submitter. Criteria: Invitae Variant Classification Sherloc (09022015). Collection method: clinical testing. Allele origin: germline.
Comment: This sequence change replaces valine, which is neutral and non-polar, with alanine, which is neutral and non-polar, at codon 639 of the BAP1 protein (p.Val639Ala). This variant is not present in population databases (gnomAD no frequency). This variant has not been reported in the literature in individuals affected with BAP1-related conditions. ClinVar contains an entry for this variant (Variation ID: 820336). Invitae Evidence Modeling of protein sequence and biophysical properties (such as structural, functional, and spatial information, amino acid conservation, physicochemical variation, residue mobility, and thermodynamic stability) indicates that this missense variant is expected to disrupt BAP1 protein function with a positive predictive value of 80%. In summary, the available evidence is currently insufficient to determine the role of this variant in disease. Therefore, it has been classified as a Variant of Uncertain Significance.

Color Diagnostics, LLC DBA Color Health
Classification: Uncertain significance for Hereditary cancer-predisposing syndrome. Last evaluated: 2023-02-15. Review status: criteria provided, single submitter. Criteria: ACMG Guidelines, 2015. Collection method: clinical testing. Allele origin: germline.
Comment: This missense variant replaces valine with alanine at codon 639 of the BAP1 protein. Computational prediction suggests that this variant may not impact protein structure and function (internally defined REVEL score threshold <= 0.5, PMID: 27666373). To our knowledge, functional studies have not been reported for this variant. This variant has not been reported in individuals affected with BAP1-related disorders in the literature. This variant has not been identified in the general population by the Genome Aggregation Database (gnomAD). The available evidence is insufficient to determine the role of this variant in disease conclusively. Therefore, this variant is classified as a Variant of Uncertain Significance.

Ambry Genetics
Classification: Uncertain significance for Hereditary cancer-predisposing syndrome. Last evaluated: 2019-12-10. Review status: criteria provided, single submitter. Criteria: Ambry Variant Classification Scheme 2023. Collection method: clinical testing. Allele origin: germline.
Comment: The p.V639A variant (also known as c.1916T>C), located in coding exon 15 of the BAP1 gene, results from a T to C substitution at nucleotide position 1916. The valine at codon 639 is replaced by alanine, an amino acid with similar properties. This amino acid position is highly conserved in available vertebrate species. In addition, the in silico prediction for this alteration is inconclusive. Since supporting evidence is limited at this time, the clinical significance of this alteration remains unclear.

NM_004656.4(BAP1):c.1916T>C (p.Val639Ala)

Gene: BAP1 (BRCA1 associated deubiquitinase 1; minus strand). Cytogenetic location: 3p21.1.
Variant type: single nucleotide variant.
Coding change: c.1916T>C on transcript NM_004656.4 (MANE Select); coding-DNA position 1916, T replaced by C.
Protein change: p.Val639Ala; replaces valine 639 with alanine.
Molecular consequence: missense variant.
Genome position (GRCh38, 1-based): chr3:52,402,846, A>G on the plus strand (T>C on the coding strand, the complement: BAP1 is on the minus strand). VCF-style: chr3-52402846-A-G. GRCh37 (hg19) VCF-style: chr3-52436862-A-G.
Other names: short protein forms V639A.
Identifiers: ClinVar variation 820336 (VCV000820336.8), dbSNP rs1578219105, ClinGen allele CA353096807.